The following is an entry in ClinVar:

NM_001378454.1(ALMS1):c.5828G>A (p.Arg1943His)

Gene: ALMS1 (ALMS1 centrosome and basal body associated protein; plus strand). Cytogenetic location: 2p13.1.
Variant type: single nucleotide variant.
Coding change: c.5828G>A on transcript NM_001378454.1 (MANE Select); coding-DNA position 5828, G replaced by A.
Protein change: p.Arg1943His; replaces arginine 1943 with histidine.
Molecular consequence: missense variant.
Genome position (GRCh38, 1-based): chr2:73,452,355, G>A. VCF-style: chr2-73452355-G-A. GRCh37 (hg19) VCF-style: chr2-73679482-G-A.
Other names: c.5831G>A, p.Arg1944His (NM_015120.4); short protein forms R1944H, R1943H.
Identifiers: ClinVar variation 695582 (VCV000695582.18), dbSNP rs146669152, ClinGen allele CA1713947.

ClinVar aggregate classification (germline): Conflicting classifications of pathogenicity. Review status: criteria provided, conflicting classifications (1 of 4 stars). 5 submissions from 5 submitters: Uncertain significance (1); Likely benign (3). 1 of the submissions does not count toward it. Last evaluated 2026-06-17.

Conditions:
Cardiovascular phenotype. Identifiers: MedGen CN230736.
Alstrom syndrome (ALMS). Identifiers: Orphanet 64, MedGen C0268425, MONDO:0008763, OMIM 203800.

Allele frequency attached by ClinVar (database versions not stated): TOPMed 0.00015; 1000 Genomes Project 30x 0.00047.
gnomAD v4.1: 151 of 1,613,690 alleles (0.0094%); highest among the groups gnomAD compares: East Asian, 0.31%; no homozygotes.

Submissions (5):

Women's Health and Genetics/Laboratory Corporation of America, LabCorp
Classification: Uncertain significance. Last evaluated: 2026-06-17. Review status: criteria provided, single submitter. Criteria: LabCorp Variant Classification Summary - May 2015. Collection method: clinical testing. Allele origin: germline.
Comment: Variant summary: ALMS1 c.5825G>A (p.Arg1942His), also known as c.5831G>A (p.Arg1944His) in RefSeq, results in a non-conservative amino acid change in the encoded protein sequence. Algorithms developed to predict the effect of missense changes on protein structure and function are either unavailable or do not agree on the potential impact of this missense change. The variant allele was found at a frequency of 0.0002 in 248962 control chromosomes, predominantly at a frequency of 0.0026 within the East Asian subpopulation in the gnomAD database. This frequency is not significantly higher than estimated for disease-causing variants in ALMS1, allowing no conclusion about variant significance. c.5825G>A has been observed in individuals affected with retinitis pigmentosa (Katagiri_2014, Xu_2016) or early onset diabetes (Zhang_2024). These reports do not provide unequivocal conclusions about association of the variant with disease. To our knowledge, no experimental evidence demonstrating an impact on protein function has been reported. The following publications have been ascertained in the context of this evaluation (PMID: 25268133, 26010121, 38546151). ClinVar contains an entry for this variant (Variation ID: 695582). Based on the evidence outlined above, the variant was classified as uncertain significance.

Labcorp Genetics (formerly Invitae), Labcorp
Classification: Likely benign for Alstrom syndrome. Last evaluated: 2026-01-24. Review status: criteria provided, single submitter. Criteria: Invitae Variant Classification Sherloc (09022015). Collection method: clinical testing. Allele origin: germline.

GeneDx
Classification: Likely benign. Last evaluated: 2021-03-22. Review status: criteria provided, single submitter. Criteria: GeneDx Variant Classification Process June 2021. Collection method: clinical testing. Allele origin: germline. Affected: yes.

Ambry Genetics
Classification: Likely benign for Cardiovascular phenotype. Last evaluated: 2019-12-12. Review status: criteria provided, single submitter. Criteria: Ambry Variant Classification Scheme 2023. Collection method: clinical testing. Allele origin: germline.

Natera, Inc.
Classification: Likely benign for Alstrom syndrome. Last evaluated: 2020-01-02. Review status: no assertion criteria provided. Collection method: clinical testing. Allele origin: germline. Not counted in ClinVar's aggregate classification.

Literature cited by the submitters: PubMed 26010121 (cited by Women's Health and Genetics/Laboratory Corporation of America, LabCorp); PubMed 25268133 (cited by Women's Health and Genetics/Laboratory Corporation of America, LabCorp and Ambry Genetics); PubMed 38546151 (cited by Women's Health and Genetics/Laboratory Corporation of America, LabCorp).